The following is an entry in ClinVar:

NM_170682.4(P2RX2):c.103G>C (p.Val35Leu)

Gene: P2RX2 (purinergic receptor P2X 2; plus strand). Cytogenetic location: 12q24.33.
Variant type: single nucleotide variant.
Coding change: c.103G>C on transcript NM_170682.4 (MANE Select); coding-DNA position 103, G replaced by C.
Protein change: p.Val35Leu; replaces valine 35 with leucine.
Molecular consequence: missense variant.
Genome position (GRCh38, 1-based): chr12:132,618,919, G>C. VCF-style: chr12-132618919-G-C. GRCh37 (hg19) VCF-style: chr12-133195505-G-C.
Other names: c.103G>C, p.Val35Leu (NM_001282164.2, NM_001282165.2, NM_012226.5 and 4 more transcripts); short protein forms V35L.
Identifiers: ClinVar variation 3927000 (VCV003927000.2).
Genomic context (GRCh38, chr12:132,618,919, plus strand): 5'-CGGCGCCTGGCCCGGGGCTGCTGGTCCGCCCTCTGGGACTACGAGACGCCCAAGGTGATC[G>C]TGGTGAGGAACCGGCGCCTGGGGGTCCTGTACCGCGCCGTGCAGCTGCTCATCCTGCTCT-3'
Protein context (NP_733782.1, residues 25-45): LWDYETPKVI[Val35Leu]VRNRRLGVLY

ClinVar aggregate classification (germline): Uncertain significance. Review status: criteria provided, multiple submitters, no conflicts (2 of 4 stars). 2 submissions from 2 submitters: Uncertain significance (2). Last evaluated 2025-09-02.

gnomAD v4.1: 25 of 1,338,190 alleles (0.0019%); highest among the groups gnomAD compares: Non-Finnish European, 0.0024%; no homozygotes.

Submissions (2):

Labcorp Genetics (formerly Invitae), Labcorp
Classification: Uncertain significance. Last evaluated: 2025-09-02. Review status: criteria provided, single submitter. Criteria: Invitae Variant Classification Sherloc (09022015). Collection method: clinical testing. Allele origin: germline.
Comment: This sequence change replaces valine, which is neutral and non-polar, with leucine, which is neutral and non-polar, at codon 35 of the P2RX2 protein (p.Val35Leu). This variant is present in population databases (rs748249759, gnomAD 0.005%). This variant has not been reported in the literature in individuals affected with P2RX2-related conditions. ClinVar contains an entry for this variant (Variation ID: 3927000). Invitae Evidence Modeling of protein sequence and biophysical properties (such as structural, functional, and spatial information, amino acid conservation, physicochemical variation, residue mobility, and thermodynamic stability) indicates that this missense variant is not expected to disrupt P2RX2 protein function with a negative predictive value of 80%. In summary, the available evidence is currently insufficient to determine the role of this variant in disease. Therefore, it has been classified as a Variant of Uncertain Significance.

Ambry Genetics
Classification: Uncertain significance. Last evaluated: 2025-06-07. Review status: criteria provided, single submitter. Criteria: Ambry Variant Classification Scheme 2023. Collection method: clinical testing. Allele origin: germline.